The following is an entry in ClinVar:

ClinVar aggregate classification (germline): Uncertain significance (1 of 4 stars; one submission).

Submission:

Ambry Genetics
Classification: Uncertain significance. Last evaluated: 2024-10-11. Review status: criteria provided, single submitter. Criteria: Ambry Variant Classification Scheme 2023. Collection method: clinical testing. Allele origin: germline.
Comment: The p.Y287C variant (also known as c.860A>G), located in coding exon 6 of the RECQL gene, results from an A to G substitution at nucleotide position 860. The tyrosine at codon 287 is replaced by cysteine, an amino acid with highly dissimilar properties. This amino acid position is conserved. In addition, this alteration is predicted to be tolerated by in silico analysis. Based on the available evidence, the clinical significance of this variant remains unclear.

NM_002907.4(RECQL):c.860A>G (p.Tyr287Cys)

Gene: RECQL (RecQ like helicase; minus strand). Cytogenetic location: 12p12.1.
Variant type: single nucleotide variant.
Coding change: c.860A>G on transcript NM_002907.4 (MANE Select); coding-DNA position 860, A replaced by G.
Protein change: p.Tyr287Cys; replaces tyrosine 287 with cysteine.
Molecular consequence: missense variant.
Genome position (GRCh38, 1-based): chr12:21,477,810, T>C on the plus strand (A>G on the coding strand, the complement: RECQL is on the minus strand). VCF-style: chr12-21477810-T-C. GRCh37 (hg19) VCF-style: chr12-21630744-T-C.
Other names: c.860A>G, p.Tyr287Cys (NM_032941.3); short protein forms Y287C.
Identifiers: ClinVar variation 3431805 (VCV003431805.1).